The following is an entry in ClinVar:

ClinVar aggregate classification (germline): Uncertain significance (1 of 4 stars; one submission).

Submission:

GeneDx
Classification: Uncertain significance. Last evaluated: 2017-06-19. Review status: criteria provided, single submitter. Criteria: GeneDx Variant Classification (06012015). Collection method: clinical testing. Allele origin: germline. Affected: yes.
Comment: A variant of uncertain significance has been identified in the RYR2 gene. The E4184G variant has notbeen published as pathogenic or been reported as benign to our knowledge. The E4184G variant is notobserved in large population cohorts (Lek et al., 2016; 1000 Genomes Consortium et al., 2015;Exome Variant Server). The E4184G variant is a non-conservative amino acid substitution, which islikely to impact secondary protein structure as these residues differ in polarity, charge, size and/orother properties. This substitution occurs at a position that is conserved across species. In silicoanalysis predicts this variant is probably damaging to the protein structure/function. Also, this variantis located in one of three mutation hot spot regions in the RYR2 gene (Medeiros- Domingo A et al.,2009). Nevertheless, this variant lacks observation in a significant number of affected individuals,segregation data, and functional evidence, which would further clarify its pathogenicity.Therefore, based on the currently available information, it is unclear whether this variant ispathogenic or rare benign.

NM_001035.3(RYR2):c.12551A>G (p.Glu4184Gly)

Genes: RYR2 (ryanodine receptor 2; plus strand), LOC126806068 (BRD4-independent group 4 enhancer GRCh37_chr1:237947411-237948610; plus strand). Cytogenetic location: 1q43.
Variant type: single nucleotide variant.
Coding change: c.12551A>G on transcript NM_001035.3 (MANE Select); coding-DNA position 12551, A replaced by G.
Protein change: p.Glu4184Gly; replaces glutamic acid 4184 with glycine.
Molecular consequence: missense variant.
Genome position (GRCh38, 1-based): chr1:237,784,263, A>G. VCF-style: chr1-237784263-A-G. GRCh37 (hg19) VCF-style: chr1-237947563-A-G.
Other names: p.E4184G:GAG>GGG; c.12551A>G, p.Glu4184Gly (LRG_402t1); short protein forms E4184G.
Identifiers: ClinVar variation 201336 (VCV000201336.2), dbSNP rs794728789, ClinGen allele CA007596.